The following is an entry in ClinVar:

ClinVar aggregate classification (germline): Pathogenic/Likely pathogenic. Review status: criteria provided, multiple submitters, no conflicts (2 of 4 stars). 2 submissions from 2 submitters: Pathogenic (1); Likely pathogenic (1). Last evaluated 2022-11-17.

Conditions:
Hereditary cancer-predisposing syndrome. Also called: Neoplastic Syndromes, Hereditary; Tumor predisposition; Hereditary Cancer Syndrome; Hereditary neoplastic syndrome. Identifiers: Orphanet 140162, MedGen C0027672, MeSH D009386, MONDO:0015356.
Familial cancer of breast. Also called: BREAST CANCER, FAMILIAL; hereditary breast carcinoma; Hereditary breast cancer. Identifiers: Orphanet 227535, MedGen C0346153, MONDO:0016419, OMIM 114480. Disease mechanism: loss of function.

Submissions (2):

Baylor Genetics
Classification: Likely pathogenic for Familial cancer of breast. Last evaluated: 2022-11-17. Review status: criteria provided, single submitter. Criteria: ACMG Guidelines, 2015. Collection method: clinical testing. Allele origin: unknown.

Color Diagnostics, LLC DBA Color Health
Classification: Pathogenic for Hereditary cancer-predisposing syndrome. Last evaluated: 2022-08-22. Review status: criteria provided, single submitter. Criteria: ACMG Guidelines, 2015. Collection method: clinical testing. Allele origin: germline.
Comment: This variant deletes 2 nucleotides in exon 2 of the PALB2 gene, creating a frameshift and premature translation stop signal. This variant is expected to result in an absent or non-functional protein product. To our knowledge, this variant has not been reported in individuals affected with hereditary cancer in the literature. This variant has not been identified in the general population by the Genome Aggregation Database (gnomAD). Loss of PALB2 function is a known mechanism of disease. Based on the available evidence, this variant is classified as Pathogenic.

NM_024675.4(PALB2):c.57_58del (p.Lys20fs)

Gene: PALB2 (partner and localizer of BRCA2; minus strand). Cytogenetic location: 16p12.2.
Variant type: Microsatellite.
Coding change: c.57_58del on transcript NM_024675.4 (MANE Select); coding-DNA positions 57 to 58, 2 bases deleted (GA; older notation c.57_58delGA).
Protein change: p.Lys20fs; shifts the reading frame from lysine 20.
Molecular consequence: frameshift variant. On other transcripts: 5 prime UTR variant (8), intron variant (4).
Genome position (GRCh38, 1-based): chr16:23,638,120-23,638,121, TC deleted on the plus strand (GA on the coding strand, the reverse complement: PALB2 is on the minus strand); deleting any 2 consecutive bases within chr16:23,638,120-23,638,123 gives the same sequence; the c. name uses the placement nearest the transcript's 3' end. VCF-style (leftmost placement, unchanged base first): chr16-23638119-TTC-T. GRCh37 (hg19) VCF-style: chr16-23649440-TTC-T.
Other names: c.57_58del, p.Lys20fs (NM_001407297.1, NM_001407298.1, NM_001407299.1 and 3 more transcripts); c.-831GA[1] (NM_001407304.1, NM_001407305.1, NM_001407306.1 and 5 more transcripts); c.48+2989_48+2990del (NM_001407314.1); c.-105+2989_-105+2990del (NM_001407313.1, NM_001407312.1); c.49-169_49-168del (NM_001407296.1); short protein forms K20fs.
Identifiers: ClinVar variation 2677459 (VCV002677459.3), dbSNP rs2506540801, ClinGen allele CA2695197567.